The following is an entry in ClinVar:

NM_032608.7(MYO18B):c.7480A>G (p.Lys2494Glu)

Gene: MYO18B (myosin XVIIIB; plus strand). Cytogenetic location: 22q12.1.
Variant type: single nucleotide variant.
Coding change: c.7480A>G on transcript NM_032608.7 (MANE Select); coding-DNA position 7480, A replaced by G.
Protein change: p.Lys2494Glu; replaces lysine 2494 with glutamic acid.
Molecular consequence: missense variant.
Genome position (GRCh38, 1-based): chr22:26,027,454, A>G. VCF-style: chr22-26027454-A-G. GRCh37 (hg19) VCF-style: chr22-26423420-A-G.
Other names: c.7483A>G, p.Lys2495Glu (NM_001318245.2); short protein forms K2494E, K2495E.
Identifiers: ClinVar variation 2653007 (VCV002653007.24), dbSNP rs2518438018, ClinGen allele CA411012650.

ClinVar aggregate classification (germline): Uncertain significance (1 of 4 stars; one submission).

Submission:

CeGaT Center for Human Genetics Tuebingen
Classification: Uncertain significance. Last evaluated: 2022-04-01. Review status: criteria provided, single submitter. Criteria: CeGaT Center For Human Genetics Tuebingen Variant Classification Criteria Version 2. Collection method: clinical testing. Allele origin: germline. Affected: yes. Observed: 1 variant allele.
Comment: MYO18B: PM2